The following is an entry in ClinVar:

ClinVar aggregate classification (germline): Uncertain significance (1 of 4 stars; one submission).

Conditions:
Cardiovascular phenotype. Identifiers: MedGen CN230736.

gnomAD v4.1: 2 of 1,594,022 alleles (0.00013%); highest among the groups gnomAD compares: Admixed American, 0.0017%; no homozygotes.

Submission:

Ambry Genetics
Classification: Uncertain significance for Cardiovascular phenotype. Last evaluated: 2025-05-30. Review status: criteria provided, single submitter. Criteria: Ambry Variant Classification Scheme 2023. Collection method: clinical testing. Allele origin: germline.
Comment: The p.I130V variant (also known as c.388A>G), located in coding exon 4 of the SOS2 gene, results from an A to G substitution at nucleotide position 388. The isoleucine at codon 130 is replaced by valine, an amino acid with highly similar properties. This amino acid position is conserved. In addition, this alteration is predicted to be tolerated by in silico analysis. Based on the available evidence, the clinical significance of this variant remains unclear.

NM_006939.4(SOS2):c.388A>G (p.Ile130Val)

Gene: SOS2 (SOS Ras/Rho guanine nucleotide exchange factor 2; minus strand). Cytogenetic location: 14q21.3.
Variant type: single nucleotide variant.
Coding change: c.388A>G on transcript NM_006939.4 (MANE Select); coding-DNA position 388, A replaced by G.
Protein change: p.Ile130Val; replaces isoleucine 130 with valine.
Molecular consequence: missense variant.
Genome position (GRCh38, 1-based): chr14:50,199,813, T>C on the plus strand (A>G on the coding strand, the complement: SOS2 is on the minus strand). VCF-style: chr14-50199813-T-C. GRCh37 (hg19) VCF-style: chr14-50666531-T-C.
Other names: c.388A>G, p.Ile130Val (NM_001411020.1); short protein forms I130V.
Identifiers: ClinVar variation 3959874 (VCV003959874.1).